The following is an entry in ClinVar:

ClinVar aggregate classification (germline): Pathogenic. Review status: reviewed by expert panel (3 of 4 stars). 5 submissions from 5 submitters: Pathogenic (1). 4 of the submissions do not count toward it. Last evaluated 2024-06-06.

Conditions:
Glycogen storage disease, type II (IOPD). Also called: Glycogen storage disease type 2; Acid maltase deficiency disease; Aglucosidase alfa; Deficiency of alpha-glucosidase; Deficiency of lysosomal alpha-glucosidase; Glucosidase acid-1,4-alpha deficiency. Identifiers: Orphanet 365, MedGen C0017921, MONDO:0009290, OMIM 232300.

gnomAD v4.1: 4 of 1,610,300 alleles (0.00025%); highest among the groups gnomAD compares: Non-Finnish European, 0.00034%; no homozygotes.

Submissions (5):

ClinGen Lysosomal Storage Disorder Variant Curation Expert Panel
Classification: Pathogenic for Glycogen storage disease, type II. Last evaluated: 2024-06-06. Review status: reviewed by expert panel. Criteria: clingen_lsd_acmg_specifications_v2-1. Collection method: curation. Allele origin: germline. Inheritance: Autosomal recessive inheritance.
Comment: The NM_000152.5:c.1913G>T variant in GAA is predicted to result in the substitution of glycine by valine at amino acid 638 (p.Gly638Val). At least 4 patients diagnosed with Pompe disease have been reported with this variant. This includes three patients with symptoms consistent with infantile onset Pompe disease (including cardiac hypertrophy and hypotonia), and treated with enzyme replacement therapy, two of whom also had documented values showing very low GAA activity (PMID: 15121988, 19588081, 24715333, 29573408, 30049495, 32888769, 38524130), (PP4_Moderate). Four patients have been reported to be compound heterozygous for the variant and another variant in GAA that has been classified as pathogenic or likely pathogenic by the ClinGen LD VCEP including c.307T>G (p.Cys103Gly) (ClinVar Variation ID: 92483, SCV002817442.1) (PMID: 38524130, phase unknown, 0.5 points), c.-32-13T>G (ClinVar Variation ID: 4027) (PMID: 19588081, phase unknown, 0.5 points)), c.1548G>A (p.Trp516Ter) (ClinVar Variation ID: 189025, SCV001371740.1 (PMIDs: 15121988, 24715333, 29573408, 30049495, 32888769, phase unknown, 0.5 points), and c.1912G>T (p.Gly638Trp) (PMID: 19588081, confirmed in trans, 1 point). Total 2.5 points (PM3_Strong). When expressed in HEK293 cells, the variant result in no GAA activity, and was incorrectly processed remaining as the precursor 100kD band on Western blot of cellular protein (PMID: 24715333) (PS3_Moderate). The computational predictor REVEL gives a score of 0.986 which is above the threshold of 0.7, evidence that correlates with impact to GAA function (PP3). Another missense change at the same amino acid position, c.1912G>T (p.Gly638Trp) has been classified as pathogenic by the ClinGen LD VCEP (PM5). This variant is absent in gnomAD v2.1.1 (PM2_Supporting). In gnomAD v4.1, the highest population minor allele frequency is 0.000003394 (4/1178708 alleles) in the European non-Finnish population population, which is lower than the ClinGen Lysosomal Diseases VCEP’s threshold for PM2_Supporting (<0.001), also meeting this criterion. Another missense change at the same amino acid position, c.1912G>T (p.Gly638Trp) has been classified as pathogenic by the ClinGen LD VCEP (PM5). There is a ClinVar entry for this variant (Variation ID: 928930). In summary, this variant meets the criteria to be classified as a pathogenic variant for Pompe disease. GAA-specific ACMG/AMP criteria applied, as specified by the ClinGen Lysosomal Diseases VCEP (Specifications Version 2.0): PM3_Strong, PM5, PS3_Moderate, PP3, PM2_Supporting, PP3. (Classification approved by the ClinGen Lysosomal Diseases Variant Curation Expert Panel on June 6, 2024)

Genomenon, Inc
Classification: Likely pathogenic for Glycogen storage disease, type II. Last evaluated: 2026-07-01. Review status: criteria provided, single submitter. Criteria: Genomenon Sequence Variant Interpretation Standards - Updated. Collection method: curation. Allele origin: germline. Affected: yes. Not counted in ClinVar's aggregate classification.
Comment: GAA p.Gly638Val (c.1913G>T) is a missense variant that changes the amino acid at codon 638 from Glycine to Valine. This variant has been observed in at least one proband with a GAA-related disorder in the compound heterozygous and/or homozygous state (PMID:38524130;32888769;30049495;19588081). At least one functional study has demonstrated a substantial alteration in protein function relative to the wild-type (PMID:24715333). It is absent or not present at a significant frequency in gnomAD. In silico models predict that this variant is possibly or probably damaging. In conclusion, we classify GAA p.Gly638Val (c.1913G>T) as a likely pathogenic variant.

Labcorp Genetics (formerly Invitae), Labcorp
Classification: Pathogenic for Glycogen storage disease, type II. Last evaluated: 2025-11-06. Review status: criteria provided, single submitter. Criteria: Invitae Variant Classification Sherloc (09022015). Collection method: clinical testing. Allele origin: germline. Not counted in ClinVar's aggregate classification.
Comment: This sequence change replaces glycine, which is neutral and non-polar, with valine, which is neutral and non-polar, at codon 638 of the GAA protein (p.Gly638Val). This variant is not present in population databases (gnomAD no frequency). This missense change has been observed in individual(s) with Pompe disease (PMID: 15121988, 19588081). In at least one individual the data is consistent with being in trans (on the opposite chromosome) from a pathogenic variant. ClinVar contains an entry for this variant (Variation ID: 928930). Invitae Evidence Modeling of protein sequence and biophysical properties (such as structural, functional, and spatial information, amino acid conservation, physicochemical variation, residue mobility, and thermodynamic stability) indicates that this missense variant is expected to disrupt GAA protein function with a positive predictive value of 95%. This variant disrupts the p.Gly638 amino acid residue in GAA. Other variant(s) that disrupt this residue have been determined to be pathogenic (PMID: 10737124, 17573812, 18429042, 19588081, 28763149, 29122469, 29181627). This suggests that this residue is clinically significant, and that variants that disrupt this residue are likely to be disease-causing. For these reasons, this variant has been classified as Pathogenic.

Revvity Omics, Revvity
Classification: Pathogenic. Last evaluated: 2022-02-20. Review status: criteria provided, single submitter. Criteria: ACMG Guidelines, 2015. Collection method: clinical testing. Allele origin: germline. Not counted in ClinVar's aggregate classification.

Women's Health and Genetics/Laboratory Corporation of America, LabCorp
Classification: Pathogenic for Glycogen storage disease, type II. Last evaluated: 2019-07-25. Review status: criteria provided, single submitter. Criteria: LabCorp Variant Classification Summary - May 2015. Collection method: clinical testing. Allele origin: germline. Not counted in ClinVar's aggregate classification.
Comment: Variant summary: GAA c.1913G>T (p.Gly638Val) results in a non-conservative amino acid change in the encoded protein sequence. Five of five in-silico tools predict a damaging effect of the variant on protein function. The variant was absent in 241884 control chromosomes. c.1913G>T has been reported in the literature in individuals affected with Glycogen Storage Disease, Type 2 (Pompe Disease) (van den Hout_2004, Oba-Shinjo_2009). These data indicate that the variant may be associated with disease. At least one publication reports experimental evidence evaluating an impact on protein function (van den Hout_2009). The most pronounced variant effect results in <10% of normal activity. No clinical diagnostic laboratories have submitted clinical-significance assessments for this variant to ClinVar after 2014. Based on the evidence outlined above, the variant was classified as pathogenic.

Literature cited by the submitters: PubMed 38524130 (cited by Genomenon, Inc); PubMed 32888769 (cited by Genomenon, Inc); PubMed 30049495 (cited by Genomenon, Inc and Women's Health and Genetics/Laboratory Corporation of America, LabCorp); PubMed 19588081 (cited by 3 submitters); PubMed 24715333 (cited by Genomenon, Inc and Women's Health and Genetics/Laboratory Corporation of America, LabCorp); PubMed 15121988 (cited by Labcorp Genetics (formerly Invitae), Labcorp and Women's Health and Genetics/Laboratory Corporation of America, LabCorp); PubMed 10737124 (cited by Labcorp Genetics (formerly Invitae), Labcorp); PubMed 17573812 (cited by Labcorp Genetics (formerly Invitae), Labcorp); PubMed 18429042 (cited by Labcorp Genetics (formerly Invitae), Labcorp); PubMed 28763149 (cited by Labcorp Genetics (formerly Invitae), Labcorp); PubMed 29122469 (cited by Labcorp Genetics (formerly Invitae), Labcorp); PubMed 29181627 (cited by Labcorp Genetics (formerly Invitae), Labcorp); PubMed 22658377 (cited by Women's Health and Genetics/Laboratory Corporation of America, LabCorp); PubMed 29061980 (cited by Women's Health and Genetics/Laboratory Corporation of America, LabCorp); PubMed 29573408 (cited by Women's Health and Genetics/Laboratory Corporation of America, LabCorp); PubMed 19343043 (cited by Women's Health and Genetics/Laboratory Corporation of America, LabCorp).

NM_000152.5(GAA):c.1913G>T (p.Gly638Val)

Gene: GAA (alpha glucosidase; plus strand). Cytogenetic location: 17q25.3.
Variant type: single nucleotide variant.
Coding change: c.1913G>T on transcript NM_000152.5 (MANE Select); coding-DNA position 1913, G replaced by T.
Protein change: p.Gly638Val; replaces glycine 638 with valine.
Molecular consequence: missense variant.
Genome position (GRCh38, 1-based): chr17:80,112,900, G>T. VCF-style: chr17-80112900-G-T. GRCh37 (hg19) VCF-style: chr17-78086699-G-T.
Other names: c.1913G>T, p.Gly638Val (NM_001079803.3, NM_001079804.3); short protein forms G638V.
Identifiers: ClinVar variation 928930 (VCV000928930.15), dbSNP rs1294428728, ClinGen allele CA401369874.